The following is an entry in ClinVar:

NM_001105206.3(LAMA4):c.1551+7C>T

Gene: LAMA4 (laminin subunit alpha 4; minus strand). Cytogenetic location: 6q21.
Variant type: single nucleotide variant.
Coding change: c.1551+7C>T on transcript NM_001105206.3 (MANE Select); 7 bases into the intron after coding-DNA position 1551, C replaced by T.
Molecular consequence: intron variant.
Genome position (GRCh38, 1-based): chr6:112,172,604, G>A on the plus strand (C>T on the coding strand, the complement: LAMA4 is on the minus strand). VCF-style: chr6-112172604-G-A. GRCh37 (hg19) VCF-style: chr6-112493806-G-A.
Other names: c.1530+7C>T (NM_002290.5, NM_001105207.3).
Identifiers: ClinVar variation 2196465 (VCV002196465.4), dbSNP rs373362483, ClinGen allele CA3965755.

ClinVar aggregate classification (germline): Uncertain significance (1 of 4 stars; one submission).

Conditions:
Dilated cardiomyopathy 1JJ (CMD1JJ). Identifiers: Orphanet 154, MedGen C3808935, MONDO:0014095, OMIM 615235.

gnomAD v4.1: 16 of 1,612,006 alleles (0.00099%); highest among the groups gnomAD compares: African/African-American, 0.0027%; no homozygotes.

Submission:

Labcorp Genetics (formerly Invitae), Labcorp
Classification: Uncertain significance for Dilated cardiomyopathy 1JJ. Last evaluated: 2022-08-03. Review status: criteria provided, single submitter. Criteria: Invitae Variant Classification Sherloc (09022015). Collection method: clinical testing. Allele origin: germline.
Comment: In summary, the available evidence is currently insufficient to determine the role of this variant in disease. Therefore, it has been classified as a Variant of Uncertain Significance. Algorithms developed to predict the effect of sequence changes on RNA splicing suggest that this variant may disrupt the consensus splice site. This variant has not been reported in the literature in individuals affected with LAMA4-related conditions. This variant is present in population databases (rs373362483, gnomAD 0.004%). This sequence change falls in intron 12 of the LAMA4 gene. It does not directly change the encoded amino acid sequence of the LAMA4 protein.